The following is an entry in ClinVar:

NM_001370298.3(FGD4):c.1714C>T (p.Arg572Trp)

Gene: FGD4 (FYVE, RhoGEF and PH domain containing 4; plus strand). Cytogenetic location: 12p11.21.
Variant type: single nucleotide variant.
Coding change: c.1714C>T on transcript NM_001370298.3 (MANE Select); coding-DNA position 1714, C replaced by T.
Protein change: p.Arg572Trp; replaces arginine 572 with tryptophan.
Molecular consequence: missense variant.
Genome position (GRCh38, 1-based): chr12:32,611,248, C>T. VCF-style: chr12-32611248-C-T. GRCh37 (hg19) VCF-style: chr12-32764182-C-T.
Other names: c.1558C>T, p.Arg520Trp (NM_001304481.2); c.559C>T, p.Arg187Trp (NM_001304483.2); c.271C>T, p.Arg91Trp (NM_001304484.2); c.1024C>T, p.Arg342Trp (NM_001330373.2, NM_001330374.2, NM_001384130.1); c.751C>T, p.Arg251Trp (NM_001370297.1); c.1714C>T, p.Arg572Trp (NM_001384126.1); c.1303C>T, p.Arg435Trp (NM_001384127.1, NM_001384128.1, NM_001385118.1 and 1 more transcripts); short protein forms R187W, R251W, R342W, R435W, R520W, R572W, R91W.
Identifiers: ClinVar variation 4279601 (VCV004279601.1).

ClinVar aggregate classification (germline): Uncertain significance (1 of 4 stars; one submission).

Conditions:
Charcot-Marie-Tooth disease type 4H (CMT4H). Also called: CHARCOT-MARIE-TOOTH DISEASE, DEMYELINATING, TYPE 4H; CHARCOT-MARIE-TOOTH DISEASE, AUTOSOMAL RECESSIVE, TYPE 4H; CHARCOT-MARIE-TOOTH DISEASE, DEMYELINATING, AUTOSOMAL RECESSIVE, TYPE 4H; CHARCOT-MARIE-TOOTH NEUROPATHY, TYPE 4H. Identifiers: Orphanet 99954, MedGen C1836336, MONDO:0012250, OMIM 609311.

gnomAD v4.1: 4 of 1,614,130 alleles (0.00025%); highest among the groups gnomAD compares: Non-Finnish European, 0.00034%; no homozygotes.

Submission:

Diagnostics Services (NGS), CSIR - Centre For Cellular And Molecular Biology
Classification: Uncertain significance for Charcot-Marie-Tooth disease type 4H. Last evaluated: 2025-08-01. Review status: criteria provided, single submitter. Criteria: ACMG Guidelines, 2015. Collection method: clinical testing. Allele origin: germline. Affected: yes. Observed: 1 variant allele, 1 heterozygote.
Comment: The c.1714C>T variant is not present in 1000 Genomes, EVS, gnomAD or our internal database. This variant is present in the Indian Exome Database, at a low frequency. This variant has neither been published in the literature for FGD4-related conditions nor reported to clinical databases like HGMD, ClinVar or OMIM in any affected individuals. In-silico pathogenicity prediction programs like SIFT, Polyphen-2, MutationTaster2021, CADD, etc predicted this variant to be likely deleterious however these predictions were not confirmed in published functional studies.